The following is an entry in ClinVar:

NM_032888.4(COL27A1):c.4936G>A (p.Glu1646Lys)

Gene: COL27A1 (collagen type XXVII alpha 1 chain; plus strand). Cytogenetic location: 9q32.
Variant type: single nucleotide variant.
Coding change: c.4936G>A on transcript NM_032888.4 (MANE Select); coding-DNA position 4936, G replaced by A.
Protein change: p.Glu1646Lys; replaces glutamic acid 1646 with lysine.
Molecular consequence: missense variant.
Genome position (GRCh38, 1-based): chr9:114,304,671, G>A. VCF-style: chr9-114304671-G-A. GRCh37 (hg19) VCF-style: chr9-117066951-G-A.
Other names: c.4936G>A (NM_032888.2); short protein forms E1646K.
Identifiers: ClinVar variation 2416938 (VCV002416938.4), dbSNP rs199917742, ClinGen allele CA5203218.

ClinVar aggregate classification (germline): Uncertain significance. Review status: criteria provided, multiple submitters, no conflicts (2 of 4 stars). 2 submissions from 2 submitters: Uncertain significance (2). Last evaluated 2025-03-27.

Conditions:
Inborn genetic diseases. Identifiers: MedGen C0950123, MeSH D030342.

Allele frequency attached by ClinVar (database versions not stated): TOPMed 0.00001; ExAC 0.00002; gnomAD 0.00002; 1000 Genomes Project 30x 0.00031; 1000 Genomes Project 0.00040.
gnomAD v4.1: 9 of 1,614,008 alleles (0.00056%); highest among the groups gnomAD compares: African/African-American, 0.008%; no homozygotes.

Submissions (2):

Ambry Genetics
Classification: Uncertain significance for Inborn genetic diseases. Last evaluated: 2025-03-27. Review status: criteria provided, single submitter. Criteria: Ambry Variant Classification Scheme 2023. Collection method: clinical testing. Allele origin: germline.

Labcorp Genetics (formerly Invitae), Labcorp
Classification: Uncertain significance. Last evaluated: 2022-08-16. Review status: criteria provided, single submitter. Criteria: Invitae Variant Classification Sherloc (09022015). Collection method: clinical testing. Allele origin: germline.
Comment: This sequence change replaces glutamic acid, which is acidic and polar, with lysine, which is basic and polar, at codon 1646 of the COL27A1 protein (p.Glu1646Lys). This variant is present in population databases (rs199917742, gnomAD 0.01%). This variant has not been reported in the literature in individuals affected with COL27A1-related conditions. Algorithms developed to predict the effect of missense changes on protein structure and function are either unavailable or do not agree on the potential impact of this missense change (SIFT: "Deleterious"; PolyPhen-2: "Not Available"; Align-GVGD: "Class C55"). In summary, the available evidence is currently insufficient to determine the role of this variant in disease. Therefore, it has been classified as a Variant of Uncertain Significance.